The following is an entry in ClinVar:

ClinVar aggregate classification (germline): Uncertain significance. Review status: criteria provided, multiple submitters, no conflicts (2 of 4 stars). 2 submissions from 2 submitters: Uncertain significance (2). Last evaluated 2025-01-11.

Conditions:
Hereditary nonpolyposis colorectal neoplasms. Identifiers: MedGen C0009405, MeSH D003123.
Hereditary cancer-predisposing syndrome. Also called: Neoplastic Syndromes, Hereditary; Tumor predisposition; Hereditary Cancer Syndrome; Hereditary neoplastic syndrome. Identifiers: Orphanet 140162, MedGen C0027672, MeSH D009386, MONDO:0015356.

Submissions (2):

Labcorp Genetics (formerly Invitae), Labcorp
Classification: Uncertain significance for Hereditary nonpolyposis colorectal neoplasms. Last evaluated: 2025-01-11. Review status: criteria provided, single submitter. Criteria: Invitae Variant Classification Sherloc (09022015). Collection method: clinical testing. Allele origin: germline.
Comment: This variant, c.3974_3976dup, results in the insertion of 1 amino acid(s) of the MSH6 protein (p.Lys1325dup), but otherwise preserves the integrity of the reading frame. This variant is not present in population databases (gnomAD no frequency). This variant has not been reported in the literature in individuals affected with MSH6-related conditions. In summary, the available evidence is currently insufficient to determine the role of this variant in disease. Therefore, it has been classified as a Variant of Uncertain Significance.

Ambry Genetics
Classification: Uncertain significance for Hereditary cancer-predisposing syndrome. Last evaluated: 2020-10-15. Review status: criteria provided, single submitter. Criteria: Ambry Variant Classification Scheme 2023. Collection method: clinical testing. Allele origin: germline.
Comment: The c.3974_3976dupAGA variant (also known as p.K1325dup), located in coding exon 9 of the MSH6 gene, results from an in-frame duplication of AGA at nucleotide positions 3974 to 3976. This results in the duplication of an extra residue between codons 1325 and 1326. This amino acid position is not well conserved in available vertebrate species. Since supporting evidence is limited at this time, the clinical significance of this alteration remains unclear.

NM_000179.3(MSH6):c.3971AGA[3] (p.Lys1325_Met1326insLys)

Gene: MSH6 (mutS homolog 6; plus strand). Cytogenetic location: 2p16.3.
Variant type: Microsatellite.
Coding change: c.3971AGA[3] on transcript NM_000179.3 (MANE Select); three copies in a row of the 3-base unit AGA starting at c.3971; the reference has two copies in a row; one copy, 3 bases duplicated.
Protein change: p.Lys1325_Met1326insLys.
Molecular consequence: inframe insertion. On other transcripts: inframe indel (39).
Genome position (GRCh38, 1-based): chr2:47,806,624-47,806,626, AGA duplicated; duplicating any 3 consecutive bases within chr2:47,806,621-47,806,626 gives the same sequence; the position shown is the placement nearest the transcript's 3' end. VCF-style (leftmost placement, unchanged base first): chr2-47806620-G-GAGA. GRCh37 (hg19) VCF-style: chr2-48033759-G-GAGA.
Other names: c.3977_3979AGA[3], p.Lys1327_Met1328insLys (NM_001406813.1); c.3065_3067AGA[3], p.Lys1023_Met1024insLys (NM_001406814.1, NM_001406815.1, NM_001406816.1 and 4 more transcripts); c.2405_2407AGA[3], p.Lys803_Met804insLys (NM_001406817.1); c.3674_3676AGA[3], p.Lys1226_Met1227insLys (NM_001406818.1, NM_001406819.1, NM_001406820.1 and 10 more transcripts); c.3803_3805AGA[3], p.Lys1269_Met1270insLys (NM_001406826.1); c.752_754AGA[3], p.Lys252_Met253insLys (NM_001406831.1); c.818_820AGA[3], p.Lys274_Met275insLys (NM_001406832.1); c.1916_1918AGA[3], p.Lys640_Met641insLys (NM_001407362.1); and 10 more.
Identifiers: ClinVar variation 1736631 (VCV001736631.4), dbSNP rs587779300, ClinGen allele CA2580611337.
Genomic context (GRCh38, chr2:47,806,620, plus strand): 5'-AGGCTTGCTAATCTCCCAGAGGAAGTTATTCAAAAGGGACATAGAAAAGCAAGAGAATTT[G>GAGA]AGAAGATGAATCAGTCACTACGATTATTTCGGTAACTAACTAACTATAATGGAATTATAA-3'